The following is an entry in ClinVar:

NM_033100.4(CDHR1):c.476_477inv (p.Ala159Val)

Gene: CDHR1 (cadherin related family member 1; plus strand). Cytogenetic location: 10q23.1.
Variant type: Inversion.
Coding change: c.476_477inv on transcript NM_033100.4 (MANE Select).
Protein change: p.Ala159Val; replaces alanine 159 with valine.
Molecular consequence: missense variant.
Genome position: GRCh38 VCF-style: chr10-84200638-CA-TG. GRCh37 (hg19) VCF-style: chr10-85960394-CA-TG.
Other names: c.476_477inv, p.Ala159Val (NM_001171971.3); short protein forms A159V.
Identifiers: ClinVar variation 1061875 (VCV001061875.7), ClinGen allele CA2499220407.

ClinVar aggregate classification (germline): Uncertain significance (1 of 4 stars; one submission).

Submission:

Labcorp Genetics (formerly Invitae), Labcorp
Classification: Uncertain significance. Last evaluated: 2025-01-13. Review status: criteria provided, single submitter. Criteria: Invitae Variant Classification Sherloc (09022015). Collection method: clinical testing. Allele origin: germline.
Comment: This sequence change replaces alanine, which is neutral and non-polar, with valine, which is neutral and non-polar, at codon 159 of the CDHR1 protein (p.Ala159Val). The frequency data for this variant in the population databases is considered unreliable, as metrics indicate poor data quality at this position in the gnomAD database. This variant has not been reported in the literature in individuals affected with CDHR1-related conditions. ClinVar contains an entry for this variant (Variation ID: 1061875). An algorithm developed to predict the effect of missense changes on protein structure and function (PolyPhen-2) suggests that this variant is likely to be disruptive. In summary, the available evidence is currently insufficient to determine the role of this variant in disease. Therefore, it has been classified as a Variant of Uncertain Significance.